The following is an entry in ClinVar:

ClinVar aggregate classification (germline): Conflicting classifications of pathogenicity. Review status: criteria provided, conflicting classifications (1 of 4 stars). 4 submissions from 4 submitters: Uncertain significance (3); Likely benign (1). Last evaluated 2025-09-24.

Conditions:
DDX41-related hematologic malignancy predisposition syndrome. Also called: Myeloproliferative/lymphoproliferative neoplasms, familial (multiple types), susceptibility to; DDX41-Associated Familial Myelodysplastic Syndrome and Acute Myeloid Leukemia. Identifiers: Orphanet 488647, MedGen C4225174, MONDO:0014809, OMIM 616871.
Inborn genetic diseases. Identifiers: MedGen C0950123, MeSH D030342.

Allele frequency attached by ClinVar (database versions not stated): ExAC 0.00001; TOPMed 0.00001; gnomAD exomes 0.00003.
gnomAD v4.1: 42 of 1,613,956 alleles (0.0026%); highest among the groups gnomAD compares: Non-Finnish European, 0.0036%; no homozygotes.

Submissions (4):

Labcorp Genetics (formerly Invitae), Labcorp
Classification: Uncertain significance. Last evaluated: 2025-09-24. Review status: criteria provided, single submitter. Criteria: Invitae Variant Classification Sherloc (09022015). Collection method: clinical testing. Allele origin: germline.
Comment: This sequence change replaces proline, which is neutral and non-polar, with serine, which is neutral and polar, at codon 70 of the DDX41 protein (p.Pro70Ser). This variant is present in population databases (rs756008087, gnomAD 0.002%). This missense change has been observed in individual(s) with DDX41-related conditions (PMID: 37506341, 37665752). ClinVar contains an entry for this variant (Variation ID: 2663530). An algorithm developed to predict the effect of missense changes on protein structure and function (PolyPhen-2) suggests that this variant is likely to be tolerated. In summary, the available evidence is currently insufficient to determine the role of this variant in disease. Therefore, it has been classified as a Variant of Uncertain Significance.

Ambry Genetics
Classification: Likely benign for Inborn genetic diseases. Last evaluated: 2025-02-05. Review status: criteria provided, single submitter. Criteria: Ambry Variant Classification Scheme 2023. Collection method: clinical testing. Allele origin: germline.

Baylor Genetics
Classification: Uncertain significance for DDX41-related hematologic malignancy predisposition syndrome. Last evaluated: 2023-12-01. Review status: criteria provided, single submitter. Criteria: ACMG Guidelines, 2015. Collection method: clinical testing. Allele origin: unknown.

GeneDx
Classification: Uncertain significance. Last evaluated: 2023-04-19. Review status: criteria provided, single submitter. Criteria: GeneDx Variant Classification Process June 2021. Collection method: clinical testing. Allele origin: germline. Affected: yes.
Comment: Not observed at significant frequency in large population cohorts (gnomAD); In silico analysis supports that this missense variant does not alter protein structure/function; Has not been previously published as pathogenic or benign to our knowledge

Literature cited by the submitters: PubMed 37506341 (cited by Labcorp Genetics (formerly Invitae), Labcorp); PubMed 37665752 (cited by Labcorp Genetics (formerly Invitae), Labcorp).

NM_016222.4(DDX41):c.208C>T (p.Pro70Ser)

Gene: DDX41 (DEAD-box helicase 41; minus strand). Cytogenetic location: 5q35.3.
Variant type: single nucleotide variant.
Coding change: c.208C>T on transcript NM_016222.4 (MANE Select); coding-DNA position 208, C replaced by T.
Protein change: p.Pro70Ser; replaces proline 70 with serine.
Molecular consequence: missense variant. On other transcripts: 5 prime UTR variant (2).
Genome position (GRCh38, 1-based): chr5:177,516,378, G>A on the plus strand (C>T on the coding strand, the complement: DDX41 is on the minus strand). VCF-style: chr5-177516378-G-A. GRCh37 (hg19) VCF-style: chr5-176943379-G-A.
Other names: c.-171C>T (NM_001321732.2, NM_001321830.2); short protein forms P70S.
Identifiers: ClinVar variation 2663530 (VCV002663530.6), dbSNP rs756008087, ClinGen allele CA3585308.